The following is an entry in ClinVar:

NM_002471.4(MYH6):c.1361G>A (p.Arg454His)

Gene: MYH6 (myosin heavy chain 6; minus strand). Cytogenetic location: 14q11.2.
Variant type: single nucleotide variant.
Coding change: c.1361G>A on transcript NM_002471.4 (MANE Select); coding-DNA position 1361, G replaced by A.
Protein change: p.Arg454His; replaces arginine 454 with histidine.
Molecular consequence: missense variant.
Genome position (GRCh38, 1-based): chr14:23,400,758, C>T on the plus strand (G>A on the coding strand, the complement: MYH6 is on the minus strand). VCF-style: chr14-23400758-C-T. GRCh37 (hg19) VCF-style: chr14-23869967-C-T.
Other names: short protein forms R454H.
Identifiers: ClinVar variation 1770846 (VCV001770846.2), dbSNP rs1241500497, ClinGen allele CA389023512.
Genomic context (GRCh38, chr14:23,400,758, plus strand): 5'-TCCCAACTCACGTCGAAGATCTCGAAGCCAGCGATGTCCAGGACTCCTATGAAGTACTGG[C>T]GTGGCTGCTTGGTCTCCAGGGTGGCGTTGATGCGCGTCACCATCCAGTTGAACATCTTCT-3'
Protein context (NP_002462.2, residues 444-464): INATLETKQP[Arg454His]QYFIGVLDIA

ClinVar aggregate classification (germline): Uncertain significance (1 of 4 stars; one submission).

Conditions:
Cardiovascular phenotype. Identifiers: MedGen CN230736.

gnomAD v4.1: 5 of 1,614,254 alleles (0.00031%); highest among the groups gnomAD compares: Admixed American, 0.0033%; no homozygotes.

Submission:

Ambry Genetics
Classification: Uncertain significance for Cardiovascular phenotype. Last evaluated: 2021-08-07. Review status: criteria provided, single submitter. Criteria: Ambry Variant Classification Scheme 2023. Collection method: clinical testing. Allele origin: germline.
Comment: The p.R454H variant (also known as c.1361G>A), located in coding exon 11 of the MYH6 gene, results from a G to A substitution at nucleotide position 1361. The arginine at codon 454 is replaced by histidine, an amino acid with highly similar properties. This amino acid position is conserved. In addition, this alteration is predicted to be deleterious by in silico analysis. Since supporting evidence is limited at this time, the clinical significance of this alteration remains unclear.